The following is an entry in ClinVar:

NM_001042492.3(NF1):c.2161T>C (p.Cys721Arg)

Gene: NF1 (neurofibromin 1; plus strand). Cytogenetic location: 17q11.2.
Variant type: single nucleotide variant.
Coding change: c.2161T>C on transcript NM_001042492.3 (MANE Select); coding-DNA position 2161, T replaced by C.
Protein change: p.Cys721Arg; replaces cysteine 721 with arginine.
Molecular consequence: missense variant.
Genome position (GRCh38, 1-based): chr17:31,226,594, T>C. VCF-style: chr17-31226594-T-C. GRCh37 (hg19) VCF-style: chr17-29553612-T-C.
Other names: c.2161T>C, p.Cys721Arg (NM_000267.4); short protein forms C721R.
Identifiers: ClinVar variation 648462 (VCV000648462.12), dbSNP rs1597712637, ClinGen allele CA398982391.

ClinVar aggregate classification (germline): Uncertain significance. Review status: criteria provided, multiple submitters, no conflicts (2 of 4 stars). 3 submissions from 3 submitters: Uncertain significance (3). Last evaluated 2025-03-12.

Conditions:
Cardiovascular phenotype. Identifiers: MedGen CN230736.
Hereditary cancer-predisposing syndrome. Also called: Hereditary Cancer Syndrome; Tumor predisposition; Neoplastic Syndromes, Hereditary; Hereditary neoplastic syndrome. Identifiers: Orphanet 140162, MedGen C0027672, MeSH D009386, MONDO:0015356.
Neurofibromatosis, type 1 (NF1). Also called: VON RECKLINGHAUSEN DISEASE; Neurofibromatosis, type I; NEUROFIBROMATOSIS, TYPE I, SOMATIC; Peripheral type neurofibromatosis. Identifiers: Orphanet 636, MedGen C0027831, MONDO:0018975, OMIM 162200. Disease mechanism: loss of function.

Submissions (3):

Ambry Genetics
Classification: Uncertain significance for Cardiovascular phenotype; Hereditary cancer-predisposing syndrome. Last evaluated: 2025-03-12. Review status: criteria provided, single submitter. Criteria: Ambry Variant Classification Scheme 2023. Collection method: clinical testing. Allele origin: germline.
Comment: The p.C721R variant (also known as c.2161T>C), located in coding exon 18 of the NF1 gene, results from a T to C substitution at nucleotide position 2161. The cysteine at codon 721 is replaced by arginine, an amino acid with highly dissimilar properties. This amino acid position is well conserved in available vertebrate species. In addition, the in silico prediction for this alteration is inconclusive. Based on the available evidence, the clinical significance of this variant remains unclear.

Genome-Nilou Lab
Classification: Uncertain significance for Neurofibromatosis, type 1. Last evaluated: 2022-03-15. Review status: criteria provided, single submitter. Criteria: ACMG Guidelines, 2015. Collection method: clinical testing. Allele origin: germline. Affected: no.

Labcorp Genetics (formerly Invitae), Labcorp
Classification: Uncertain significance for Neurofibromatosis, type 1. Last evaluated: 2018-12-03. Review status: criteria provided, single submitter. Criteria: Invitae Variant Classification Sherloc (09022015). Collection method: clinical testing. Allele origin: germline.
Comment: This sequence change replaces cysteine with arginine at codon 721 of the NF1 protein (p.Cys721Arg). The cysteine residue is moderately conserved and there is a large physicochemical difference between cysteine and arginine. This variant is not present in population databases (ExAC no frequency). This variant has not been reported in the literature in individuals with NF1-related conditions. Algorithms developed to predict the effect of missense changes on protein structure and function are either unavailable or do not agree on the potential impact of this missense change (SIFT: "Deleterious"; PolyPhen-2: "Benign"; Align-GVGD: "Class C0"). In summary, the available evidence is currently insufficient to determine the role of this variant in disease. Therefore, it has been classified as a Variant of Uncertain Significance.